The following is an entry in ClinVar:

ClinVar aggregate classification (germline): Likely pathogenic. Review status: criteria provided, multiple submitters, no conflicts (2 of 4 stars). 2 submissions from 2 submitters: Likely pathogenic (2). Last evaluated 2025-01-05.

Conditions:
Citrullinemia. Identifiers: Orphanet 187, MedGen C0175683, MONDO:0015991.
Citrin deficiency. Identifiers: Orphanet 247582, MedGen C1997910, MONDO:0016602.

Allele frequency attached by ClinVar (database versions not stated): TOPMed below 0.00001.

Submissions (2):

Natera, Inc.
Classification: Likely pathogenic for Citrullinemia. Last evaluated: 2025-01-05. Review status: criteria provided, single submitter. Criteria: Natera Variant Classification Schema (03/2026). Collection method: clinical testing. Allele origin: germline.
Comment: The c.934-2A>T variant in SLC25A13 is a canonical splice acceptor site variant predicted to affect pre-mRNA splicing, which may result in an abnormal transcript and altered protein product. This variant is expected to result in nonsense mediated decay, truncation, or a dysfunctional protein product. This variant is rare in the general population with a frequency below the threshold expected for the associated phenotype(s). Given the available evidence, this variant is classified as Likely Pathogenic.

Labcorp Genetics (formerly Invitae), Labcorp
Classification: Likely pathogenic for Citrin deficiency. Last evaluated: 2023-11-02. Review status: criteria provided, single submitter. Criteria: Invitae Variant Classification Sherloc (09022015). Collection method: clinical testing. Allele origin: germline.
Comment: This sequence change affects an acceptor splice site in intron 9 of the SLC25A13 gene. It is expected to disrupt RNA splicing. Variants that disrupt the donor or acceptor splice site typically lead to a loss of protein function (PMID: 16199547), and loss-of-function variants in SLC25A13 are known to be pathogenic (PMID: 10369257, 14680984, 27405544). This variant is not present in population databases (gnomAD no frequency). This variant has not been reported in the literature in individuals affected with SLC25A13-related conditions. ClinVar contains an entry for this variant (Variation ID: 1066961). Algorithms developed to predict the effect of sequence changes on RNA splicing suggest that this variant may disrupt the consensus splice site. In summary, the currently available evidence indicates that the variant is pathogenic, but additional data are needed to prove that conclusively. Therefore, this variant has been classified as Likely Pathogenic.

Literature cited by the submitters: PubMed 16199547 (cited by Labcorp Genetics (formerly Invitae), Labcorp); PubMed 10369257 (cited by Labcorp Genetics (formerly Invitae), Labcorp); PubMed 14680984 (cited by Labcorp Genetics (formerly Invitae), Labcorp); PubMed 27405544 (cited by Labcorp Genetics (formerly Invitae), Labcorp).

NM_014251.3(SLC25A13):c.934-2A>T

Gene: SLC25A13 (solute carrier family 25 member 13; minus strand). Cytogenetic location: 7q21.3.
Variant type: single nucleotide variant.
Coding change: c.934-2A>T on transcript NM_014251.3 (MANE Select); the canonical splice acceptor site of the intron before coding-DNA position 934, A replaced by T.
Molecular consequence: splice acceptor variant. On other transcripts: missense variant (1).
Genome position (GRCh38, 1-based): chr7:96,185,013, T>A on the plus strand (A>T on the coding strand, the complement: SLC25A13 is on the minus strand). VCF-style: chr7-96185013-T-A. GRCh37 (hg19) VCF-style: chr7-95814325-T-A.
Other names: c.934-2A>T (NM_014251.2); c.935A>T, p.Gln312Leu (NM_001160210.2); short protein forms Q312L.
Identifiers: ClinVar variation 1066961 (VCV001066961.9), dbSNP rs1794574986, ClinGen allele CA368260836.